The following is an entry in ClinVar:

ClinVar aggregate classification (germline): Pathogenic (1 of 4 stars; one submission).

Conditions:
Congenital adrenal hyperplasia due to cytochrome P450 oxidoreductase deficiency. Also called: DISORDERED STEROIDOGENESIS DUE TO POR DEFICIENCY. Identifiers: Orphanet 95699, MedGen C1860042, MONDO:0013310, OMIM 613571.

Submission:

Labcorp Genetics (formerly Invitae), Labcorp
Classification: Pathogenic for Congenital adrenal hyperplasia due to cytochrome P450 oxidoreductase deficiency. Last evaluated: 2025-08-01. Review status: criteria provided, single submitter. Criteria: Invitae Variant Classification Sherloc (09022015). Collection method: clinical testing. Allele origin: germline.
Comment: This sequence change creates a premature translational stop signal (p.Thr290Argfs*55) in the POR gene. It is expected to result in an absent or disrupted protein product. Loss-of-function variants in POR are known to be pathogenic (PMID: 14758361, 20732302, 21741353). This variant is not present in population databases (gnomAD no frequency). This variant has not been reported in the literature in individuals affected with POR-related conditions. For these reasons, this variant has been classified as Pathogenic.

Literature cited by the submitters: PubMed 14758361; PubMed 20732302; PubMed 21741353.

NM_001395413.1(POR):c.860_881del (p.Thr287fs)

Genes: POR (cytochrome p450 oxidoreductase; plus strand), LOC126860075 (CDK7 strongly-dependent group 2 enhancer GRCh37_chr7:75612087-75613286; plus strand). Cytogenetic location: 7q11.23.
Variant type: Deletion.
Coding change: c.860_881del on transcript NM_001395413.1 (MANE Select); coding-DNA positions 860 to 881, 22 bases deleted (CCACCAACCGGAAGCTGAACCA).
Protein change: p.Thr287fs; shifts the reading frame from threonine 287.
Molecular consequence: frameshift variant.
Genome position (GRCh38, 1-based): chr7:75,983,558-75,983,579, CCACCAACCGGAAGCTGAACCA deleted; deleting any 22 consecutive bases within chr7:75,983,556-75,983,579 gives the same sequence; the c. name uses the placement nearest the transcript's 3' end. VCF-style (leftmost placement, unchanged base first): chr7-75983555-TCACCACCAACCGGAAGCTGAAC-T. GRCh37 (hg19) VCF-style: chr7-75612873-TCACCACCAACCGGAAGCTGAAC-T.
Other names: c.860_881del, p.Thr287fs (NM_001367562.3, NM_001382657.2, NM_001382658.3 and 2 more transcripts); c.914_935del, p.Thr305fs (NM_001382655.3); short protein forms T287fs, T305fs.
Identifiers: ClinVar variation 4703361 (VCV004703361.1).